The following is an entry in ClinVar:

ClinVar aggregate classification (germline): Benign/Likely benign. Review status: criteria provided, multiple submitters, no conflicts (2 of 4 stars). 3 submissions from 3 submitters: Benign (1); Likely benign (2). Last evaluated 2025-08-17.

Conditions:
Hereditary cancer-predisposing syndrome. Also called: Neoplastic Syndromes, Hereditary; Hereditary neoplastic syndrome; Tumor predisposition; Hereditary Cancer Syndrome. Identifiers: Orphanet 140162, MedGen C0027672, MeSH D009386, MONDO:0015356.
Hereditary diffuse gastric adenocarcinoma (HDGC). Also called: DIFFUSE GASTRIC AND LOBULAR BREAST CANCER SYNDROME. Identifiers: Orphanet 26106, MedGen C1708349, MONDO:0007648, OMIM 137215.

Allele frequency attached by ClinVar (database versions not stated): TOPMed below 0.00001.

Submissions (3):

Labcorp Genetics (formerly Invitae), Labcorp
Classification: Likely benign. Last evaluated: 2025-08-17. Review status: criteria provided, single submitter. Criteria: Invitae Variant Classification Sherloc (09022015). Collection method: clinical testing. Allele origin: germline.

Myriad Genetics, Inc.
Classification: Benign for Hereditary diffuse gastric adenocarcinoma. Last evaluated: 2024-10-10. Review status: criteria provided, single submitter. Criteria: Myriad Autosomal Dominant, Autosomal Recessive and X-Linked Classification Criteria (2023). Collection method: clinical testing. Allele origin: unknown.
Comment: This variant is considered benign. This variant is a silent/synonymous amino acid change and it is not expected to impact splicing.

Ambry Genetics
Classification: Likely benign for Hereditary cancer-predisposing syndrome. Last evaluated: 2021-02-16. Review status: criteria provided, single submitter. Criteria: Ambry Variant Classification Scheme 2023. Collection method: clinical testing. Allele origin: germline.

NM_001903.5(CTNNA1):c.591A>G (p.Glu197=)

Gene: CTNNA1 (catenin alpha 1; plus strand). Cytogenetic location: 5q31.2.
Variant type: single nucleotide variant.
Coding change: c.591A>G on transcript NM_001903.5 (MANE Select); coding-DNA position 591, A replaced by G.
Protein change: p.Glu197=; no amino-acid change (glutamic acid 197 retained).
Molecular consequence: synonymous variant.
Genome position (GRCh38, 1-based): chr5:138,824,532, A>G. VCF-style: chr5-138824532-A-G. GRCh37 (hg19) VCF-style: chr5-138160221-A-G.
Other names: c.591A>G, p.Glu197= (NM_001290307.3, NM_001323982.2, NM_001323983.1 and 3 more transcripts); c.282A>G, p.Glu94= (NM_001290309.3); c.222A>G, p.Glu74= (NM_001290310.3).
Identifiers: ClinVar variation 771611 (VCV000771611.14), dbSNP rs1581167260, ClinGen allele CA446594116.
Genomic context (GRCh38, chr5:138,824,532, plus strand): 5'-ATATGAGTAAAGCCCATATAAAGAGTGCTCCAATTTCTTGTTTTATTTACTCTTGTAGGA[A>G]TTGAAAGATGTTGGCCATCGTGATCAGATGGCTGCAGCTAGAGGAATCCTGCAGAAGAAC-3'
Protein context (NP_001894.2, residues 187-207): LNIMAAKRQQ[Glu197=]LKDVGHRDQM